The following is an entry in ClinVar:

ClinVar aggregate classification (germline): Conflicting classifications of pathogenicity. Review status: criteria provided, conflicting classifications (1 of 4 stars). 2 submissions from 2 submitters: Uncertain significance (1); Likely benign (1). Last evaluated 2025-08-03.

Conditions:
Inborn genetic diseases. Identifiers: MedGen C0950123, MeSH D030342.

Allele frequency attached by ClinVar (database versions not stated): ExAC 0.00002; gnomAD 0.00005; TOPMed 0.00007.
gnomAD v4.1: 8 of 1,209,772 alleles (0.00066%); highest among the groups gnomAD compares: African/African-American, 0.012%; no homozygotes.

Submissions (2):

Ambry Genetics
Classification: Likely benign for Inborn genetic diseases. Last evaluated: 2025-08-03. Review status: criteria provided, single submitter. Criteria: Ambry Variant Classification Scheme 2023. Collection method: clinical testing. Allele origin: germline.

Labcorp Genetics (formerly Invitae), Labcorp
Classification: Uncertain significance. Last evaluated: 2023-03-09. Review status: criteria provided, single submitter. Criteria: Invitae Variant Classification Sherloc (09022015). Collection method: clinical testing. Allele origin: germline.
Comment: In summary, the available evidence is currently insufficient to determine the role of this variant in disease. Therefore, it has been classified as a Variant of Uncertain Significance. An algorithm developed to predict the effect of missense changes on protein structure and function (PolyPhen-2) suggests that this variant is likely to be tolerated. This variant has not been reported in the literature in individuals affected with AMER1-related conditions. This variant is present in population databases (rs775399750, gnomAD 0.02%), including at least one homozygous and/or hemizygous individual. This sequence change replaces glycine, which is neutral and non-polar, with arginine, which is basic and polar, at codon 447 of the AMER1 protein (p.Gly447Arg).

NM_152424.4(AMER1):c.1339G>C (p.Gly447Arg)

Gene: AMER1 (APC membrane recruitment protein 1; minus strand). Cytogenetic location: Xq11.2.
Variant type: single nucleotide variant.
Coding change: c.1339G>C on transcript NM_152424.4 (MANE Select); coding-DNA position 1339, G replaced by C.
Protein change: p.Gly447Arg; replaces glycine 447 with arginine.
Molecular consequence: missense variant.
Genome position (GRCh38, 1-based): chrX:64,191,948, C>G on the plus strand (G>C on the coding strand, the complement: AMER1 is on the minus strand). VCF-style: chrX-64191948-C-G. GRCh37 (hg19) VCF-style: chrX-63411828-C-G.
Other names: c.1339G>C (NM_152424.3); short protein forms G447R.
Identifiers: ClinVar variation 2974687 (VCV002974687.4), dbSNP rs775399750, ClinGen allele CA10432352.